The following is an entry in ClinVar:

NM_004006.3(DMD):c.94-3C>T

Gene: DMD (dystrophin; minus strand). Cytogenetic location: Xp21.1.
Variant type: single nucleotide variant.
Coding change: c.94-3C>T on transcript NM_004006.3 (MANE Select); 3 bases into the intron before coding-DNA position 94, C replaced by T.
Molecular consequence: intron variant.
Genome position (GRCh38, 1-based): chrX:32,849,823, G>A on the plus strand (C>T on the coding strand, the complement: DMD is on the minus strand). VCF-style: chrX-32849823-G-A. GRCh37 (hg19) VCF-style: chrX-32867940-G-A.
Other names: c.70-3C>T (NM_000109.4); c.82-3C>T (NM_004009.3); c.-276-3C>T (NM_004010.3).
Identifiers: ClinVar variation 196374 (VCV000196374.27), dbSNP rs373907950, ClinGen allele CA243294.

ClinVar aggregate classification (germline): Conflicting classifications of pathogenicity. Review status: criteria provided, conflicting classifications (1 of 4 stars). 7 submissions from 7 submitters: Uncertain significance (1); Benign (2); Likely benign (2). 2 of the submissions do not count toward it. Last evaluated 2026-05-04.

Conditions:
DMD-related disorder. Also called: DMD-related condition.
Cardiovascular phenotype. Identifiers: MedGen CN230736.
Dystrophin deficiency.
Duchenne muscular dystrophy (DMD). Also called: MUSCULAR DYSTROPHY, PSEUDOHYPERTROPHIC PROGRESSIVE, DUCHENNE TYPE; Duchenne Muscular Dystrophy (DMD). Identifiers: Orphanet 98896, MedGen C0013264, MONDO:0010679, OMIM 310200.

Allele frequency attached by ClinVar (database versions not stated): gnomAD exomes 0.00002 and 0.00005; ExAC 0.00007; gnomAD 0.00016 and 0.00018; TOPMed 0.00026; ESP Exome Variant Server 0.00047.
gnomAD v4.1: 39 of 1,159,892 alleles (0.0034%); highest among the groups gnomAD compares: African/African-American, 0.065%; no homozygotes.

Submissions (7):

Women's Health and Genetics/Laboratory Corporation of America, LabCorp
Classification: Benign. Last evaluated: 2026-05-04. Review status: criteria provided, single submitter. Criteria: LabCorp Variant Classification Summary - May 2015. Collection method: clinical testing. Allele origin: germline.
Comment: Variant summary: DMD c.94-3C>T alters a nucleotide located close to a canonical splice site and therefore could affect mRNA splicing, leading to a significantly altered protein sequence. The observed variant frequency within African or African-American control individuals in the gnomAD database exceeds the estimated maximal expected allele frequency for disease-causing variants in DMD. To our knowledge, no occurrence of c.94-3C>T in individuals affected with DMD-related conditions and no experimental evidence demonstrating its impact on protein function have been reported. ClinVar contains an entry for this variant (Variation ID: 196374). Based on the evidence outlined above, the variant was classified as benign.

Labcorp Genetics (formerly Invitae), Labcorp
Classification: Benign for Duchenne muscular dystrophy. Last evaluated: 2026-01-16. Review status: criteria provided, single submitter. Criteria: Invitae Variant Classification Sherloc (09022015). Collection method: clinical testing. Allele origin: germline.

Ambry Genetics
Classification: Likely benign for Cardiovascular phenotype. Last evaluated: 2024-12-18. Review status: criteria provided, single submitter. Criteria: Ambry Variant Classification Scheme 2023. Collection method: clinical testing. Allele origin: germline.

GeneDx
Classification: Likely benign. Last evaluated: 2018-12-12. Review status: criteria provided, single submitter. Criteria: GeneDx Variant Classification Process June 2021. Collection method: clinical testing. Allele origin: germline. Affected: yes.

Eurofins Ntd Llc (ga)
Classification: Uncertain significance. Last evaluated: 2015-02-23. Review status: criteria provided, single submitter. Criteria: EGL Classification Definitions 2015. Collection method: clinical testing. Allele origin: germline. Observed: 1 variant allele, 1 hemizygote.

PreventionGenetics, part of Exact Sciences
Classification: Likely benign for DMD-related condition. Last evaluated: 2022-02-09. Review status: no assertion criteria provided. Collection method: clinical testing. Allele origin: germline. Not counted in ClinVar's aggregate classification.
Comment: This variant is classified as likely benign based on ACMG/AMP sequence variant interpretation guidelines (Richards et al. 2015 PMID: 25741868, with internal and published modifications).

Natera, Inc.
Classification: Likely benign for Dystrophin deficiency. Last evaluated: 2020-04-11. Review status: no assertion criteria provided. Collection method: clinical testing. Allele origin: germline. Not counted in ClinVar's aggregate classification.